The following is an entry in ClinVar:

ClinVar aggregate classification (germline): Likely benign. Review status: criteria provided, multiple submitters, no conflicts (2 of 4 stars). 4 submissions from 4 submitters: Likely benign (4). Last evaluated 2025-11-25.

Conditions:
Retinal dystrophy. Also called: Inherited retinal dystrophy. Identifiers: Orphanet 71862, MedGen C0854723, MeSH D058499, MONDO:0019118, HP:0000556.
CNGB1-related disorder. Also called: CNGB1-related condition.

gnomAD v4.1: 149 of 1,614,150 alleles (0.0092%); highest among the groups gnomAD compares: East Asian, 0.13%; no homozygotes.

Submissions (4):

Labcorp Genetics (formerly Invitae), Labcorp
Classification: Likely benign. Last evaluated: 2025-11-25. Review status: criteria provided, single submitter. Criteria: Invitae Variant Classification Sherloc (09022015). Collection method: clinical testing. Allele origin: germline.

PreventionGenetics, part of Exact Sciences
Classification: Likely benign for CNGB1-related condition. Last evaluated: 2025-02-08. Review status: criteria provided, single submitter. Criteria: ACMG Guidelines, 2015. Collection method: clinical testing. Allele origin: germline.
Comment: This variant is classified as likely benign based on ACMG/AMP sequence variant interpretation guidelines (Richards et al. 2015 PMID: 25741868, with internal and published modifications).

Blueprint Genetics
Classification: Likely benign. Last evaluated: 2024-06-20. Review status: criteria provided, single submitter. Criteria: ACMG Guidelines, 2015. Collection method: clinical testing. Allele origin: germline.

Dept Of Ophthalmology, Nagoya University
Classification: Likely benign for Retinal dystrophy. Last evaluated: 2023-10-01. Review status: criteria provided, single submitter. Criteria: Submitter's publication. Collection method: research. Allele origin: germline. Affected: yes.

NM_001297.5(CNGB1):c.3420C>T (p.Ala1140=)

Gene: CNGB1 (cyclic nucleotide gated channel subunit beta 1; minus strand). Cytogenetic location: 16q21.
Variant type: single nucleotide variant.
Coding change: c.3420C>T on transcript NM_001297.5 (MANE Select); coding-DNA position 3420, C replaced by T.
Protein change: p.Ala1140=; no amino-acid change (alanine 1140 retained).
Molecular consequence: synonymous variant.
Genome position (GRCh38, 1-based): chr16:57,887,897, G>A on the plus strand (C>T on the coding strand, the complement: CNGB1 is on the minus strand). VCF-style: chr16-57887897-G-A. GRCh37 (hg19) VCF-style: chr16-57921801-G-A.
Other names: c.3402C>T, p.Ala1134= (NM_001286130.2); c.3420C>T (NM_001297.4).
Identifiers: ClinVar variation 1571310 (VCV001571310.11), dbSNP rs371860152, ClinGen allele CA8082572.